The following is an entry in ClinVar:

NM_001142800.2(EYS):c.5818G>C (p.Glu1940Gln)

Gene: EYS (EGF-like photoreceptor maintenance factor; minus strand). Cytogenetic location: 6q12.
Variant type: single nucleotide variant.
Coding change: c.5818G>C on transcript NM_001142800.2 (MANE Select); coding-DNA position 5818, G replaced by C.
Protein change: p.Glu1940Gln; replaces glutamic acid 1940 with glutamine.
Molecular consequence: missense variant.
Genome position (GRCh38, 1-based): chr6:64,439,179, C>G on the plus strand (G>C on the coding strand, the complement: EYS is on the minus strand). VCF-style: chr6-64439179-C-G. GRCh37 (hg19) VCF-style: chr6-65149072-C-G.
Other names: c.5818G>C, p.Glu1940Gln (NM_001292009.2); short protein forms E1940Q.
Identifiers: ClinVar variation 938231 (VCV000938231.8), dbSNP rs955143854, ClinGen allele CA140322070.

ClinVar aggregate classification (germline): Uncertain significance. Review status: criteria provided, multiple submitters, no conflicts (2 of 4 stars). 2 submissions from 2 submitters: Uncertain significance (2). Last evaluated 2021-09-02.

Allele frequency attached by ClinVar (database versions not stated): TOPMed below 0.00001.

Submissions (2):

Labcorp Genetics (formerly Invitae), Labcorp
Classification: Uncertain significance. Last evaluated: 2021-09-02. Review status: criteria provided, single submitter. Criteria: Invitae Variant Classification Sherloc (09022015). Collection method: clinical testing. Allele origin: germline.
Comment: This sequence change replaces glutamic acid with glutamine at codon 1940 of the EYS protein (p.Glu1940Gln). The glutamic acid residue is weakly conserved and there is a small physicochemical difference between glutamic acid and glutamine. This variant is not present in population databases (ExAC no frequency). This variant has not been reported in the literature in individuals affected with EYS-related conditions. Algorithms developed to predict the effect of missense changes on protein structure and function (SIFT, PolyPhen-2, Align-GVGD) all suggest that this variant is likely to be tolerated. In summary, the available evidence is currently insufficient to determine the role of this variant in disease. Therefore, it has been classified as a Variant of Uncertain Significance.

Blueprint Genetics
Classification: Uncertain significance. Last evaluated: 2019-10-14. Review status: criteria provided, single submitter. Criteria: ACMG Guidelines, 2015. Collection method: clinical testing. Allele origin: germline.